The following is an entry in ClinVar:

ClinVar aggregate classification (germline): Uncertain significance (1 of 4 stars; one submission).

Conditions:
PLXNA2-related disorder. Also called: PLXNA2-related condition.

Submission:

PreventionGenetics, part of Exact Sciences
Classification: Uncertain significance for PLXNA2-related condition. Last evaluated: 2026-07-02. Review status: criteria provided, single submitter. Criteria: ACMG Guidelines, 2015. Collection method: clinical testing. Allele origin: germline.
Comment: The PLXNA2 c.2288A>C variant is predicted to result in the amino acid substitution p.Gln763Pro. To our knowledge, this variant has not been reported in the literature or in a large population database (gnomAD), indicating this variant is rare. At this time, the clinical significance of this variant is uncertain due to the absence of conclusive functional and genetic evidence.

NM_025179.4(PLXNA2):c.2288A>C (p.Gln763Pro)

Gene: PLXNA2 (plexin A2; minus strand). Cytogenetic location: 1q32.2.
Variant type: single nucleotide variant.
Coding change: c.2288A>C on transcript NM_025179.4 (MANE Select); coding-DNA position 2288, A replaced by C.
Protein change: p.Gln763Pro; replaces glutamine 763 with proline.
Molecular consequence: missense variant.
Genome position (GRCh38, 1-based): chr1:208,084,390, T>G on the plus strand (A>C on the coding strand, the complement: PLXNA2 is on the minus strand). VCF-style: chr1-208084390-T-G. GRCh37 (hg19) VCF-style: chr1-208257735-T-G.
Other names: short protein forms Q763P.
Identifiers: ClinVar variation 4993347 (VCV004993347.1).